The following is an entry in ClinVar:

ClinVar aggregate classification (germline): Benign. Review status: criteria provided, multiple submitters, no conflicts (2 of 4 stars). 3 submissions from 3 submitters: Benign (3). Last evaluated 2026-02-01.

Allele frequency attached by ClinVar (database versions not stated): ExAC 0.27057; gnomAD 0.32661 and 0.33611; 1000 Genomes Project 0.27576; gnomAD exomes 0.28181 and 0.26264; TOPMed 0.32881; 1000 Genomes Project 30x 0.28357; ESP Exome Variant Server 0.35407.
gnomAD v4.1: 461,811 of 1,613,628 alleles (29%); highest among the groups gnomAD compares: African/African-American, 49%; 70,245 homozygotes.

Submissions (3):

Labcorp Genetics (formerly Invitae), Labcorp
Classification: Benign. Last evaluated: 2026-02-01. Review status: criteria provided, single submitter. Criteria: Invitae Variant Classification Sherloc (09022015). Collection method: clinical testing. Allele origin: germline.

GeneDx
Classification: Benign. Last evaluated: 2019-08-23. Review status: criteria provided, single submitter. Criteria: GeneDx Variant Classification Process June 2021. Collection method: clinical testing. Allele origin: germline. Affected: yes.
Comment: This variant is associated with the following publications: (PMID: 28819183)

Breakthrough Genomics
Classification: Benign. Review status: criteria provided, single submitter. Criteria: ACMG Guidelines, 2015. Collection method: not provided. Allele origin: germline. Inheritance: Unknown mechanism. Affected: yes.

NM_052963.3(TOP1MT):c.766G>A (p.Val256Ile)

Gene: TOP1MT (DNA topoisomerase I mitochondrial; minus strand). Cytogenetic location: 8q24.3.
Variant type: single nucleotide variant.
Coding change: c.766G>A on transcript NM_052963.3 (MANE Select); coding-DNA position 766, G replaced by A.
Protein change: p.Val256Ile; replaces valine 256 with isoleucine.
Molecular consequence: missense variant.
Genome position (GRCh38, 1-based): chr8:143,324,535, C>T on the plus strand (G>A on the coding strand, the complement: TOP1MT is on the minus strand). VCF-style: chr8-143324535-C-T. GRCh37 (hg19) VCF-style: chr8-144406705-C-T.
Other names: c.472G>A, p.Val158Ile (NM_001258446.1, NM_001258447.1); short protein forms V158I, V256I.
Identifiers: ClinVar variation 1251430 (VCV001251430.11), dbSNP rs11544484, ClinGen allele CA4908685.